The following is an entry in ClinVar:

NM_001042472.3(ABHD12):c.347_348delinsG (p.Lys116fs)

Gene: ABHD12 (abhydrolase domain containing 12, lysophospholipase; minus strand). Cytogenetic location: 20p11.21.
Variant type: Indel.
Coding change: c.347_348delinsG on transcript NM_001042472.3 (MANE Select); coding-DNA positions 347 to 348, AA replaced by G.
Protein change: p.Lys116fs; shifts the reading frame from lysine 116.
Molecular consequence: frameshift variant.
Genome position (GRCh38, 1-based): chr20:25,323,399-25,323,400, TT replaced by C on the plus strand (AA replaced by G on the coding strand, the reverse complement: ABHD12 is on the minus strand). VCF-style: chr20-25323399-TT-C. GRCh37 (hg19) VCF-style: chr20-25304035-TT-C.
Other names: c.347_348delinsG, p.Lys116fs (NM_015600.5); short protein forms K116fs.
Identifiers: ClinVar variation 2037029 (VCV002037029.4), dbSNP rs2515817309, ClinGen allele CA2580098058.

ClinVar aggregate classification (germline): Pathogenic (1 of 4 stars; one submission).

Submission:

Labcorp Genetics (formerly Invitae), Labcorp
Classification: Pathogenic. Last evaluated: 2022-09-07. Review status: criteria provided, single submitter. Criteria: Invitae Variant Classification Sherloc (09022015). Collection method: clinical testing. Allele origin: germline.
Comment: This sequence change creates a premature translational stop signal (p.Lys116Serfs*7) in the ABHD12 gene. It is expected to result in an absent or disrupted protein product. Loss-of-function variants in ABHD12 are known to be pathogenic (PMID: 20797687). For these reasons, this variant has been classified as Pathogenic. This variant has not been reported in the literature in individuals affected with ABHD12-related conditions. Information on the frequency of this variant in the gnomAD database is not available, as this variant may be reported differently in the database.

Literature cited by the submitters: PubMed 20797687.